The following is an entry in ClinVar:

NM_004629.2(FANCG):c.172C>A (p.Gln58Lys)

Gene: FANCG (FA complementation group G; minus strand). Cytogenetic location: 9p13.3.
Variant type: single nucleotide variant.
Coding change: c.172C>A on transcript NM_004629.2 (MANE Select); coding-DNA position 172, C replaced by A.
Protein change: p.Gln58Lys; replaces glutamine 58 with lysine.
Molecular consequence: missense variant.
Genome position (GRCh38, 1-based): chr9:35,079,154, G>T on the plus strand (C>A on the coding strand, the complement: FANCG is on the minus strand). VCF-style: chr9-35079154-G-T. GRCh37 (hg19) VCF-style: chr9-35079151-G-T.
Other names: short protein forms Q58K.
Identifiers: ClinVar variation 4619400 (VCV004619400.1).
Genomic context (GRCh38, chr9:35,079,154, plus strand): 5'-GATGTTTCTCTGGCTATGGAAGAGGGGAACTGACCATCCTGGGGAGGACCCGCCTACCTT[G>T]CAGACTATGGAGGAGCCCTCTGAGCCCTTCCAGTGCATCCTGAGCCAACTGCTGTCGCCT-3'
Protein context (NP_004620.1, residues 48-68): EGLRGLLHSL[Gln58Lys]GLPAAVPVLP

ClinVar aggregate classification (germline): Uncertain significance (1 of 4 stars; one submission).

Conditions:
Inborn genetic diseases. Identifiers: MedGen C0950123, MeSH D030342.

Submission:

Ambry Genetics
Classification: Uncertain significance for Inborn genetic diseases. Last evaluated: 2025-12-06. Review status: criteria provided, single submitter. Criteria: Ambry Variant Classification Scheme 2023. Collection method: clinical testing. Allele origin: germline.
Comment: The p.Q58K variant (also known as c.172C>A), located in coding exon 2 of the FANCG gene, results from a C to A substitution at nucleotide position 172. The glutamine at codon 58 is replaced by lysine, an amino acid with similar properties. This amino acid position is conserved. In addition, this alteration is predicted to be tolerated by in silico analysis. Based on the available evidence, the clinical significance of this variant remains unclear.